The following is an entry in ClinVar:

ClinVar aggregate classification (germline): Uncertain significance. Review status: criteria provided, multiple submitters, no conflicts (2 of 4 stars). 5 submissions from 5 submitters: Uncertain significance (5). Last evaluated 2025-11-09.

Conditions:
Hereditary cancer-predisposing syndrome. Also called: Tumor predisposition; Neoplastic Syndromes, Hereditary; Hereditary Cancer Syndrome; Hereditary neoplastic syndrome. Identifiers: Orphanet 140162, MedGen C0027672, MeSH D009386, MONDO:0015356.
Familial cancer of breast. Also called: BREAST CANCER, FAMILIAL; Hereditary breast cancer; hereditary breast carcinoma. Identifiers: Orphanet 227535, MedGen C0346153, MONDO:0016419, OMIM 114480. Disease mechanism: loss of function.
Fanconi anemia complementation group J. Also called: BRIP1-Related Fanconi Anemia. Identifiers: Orphanet 84, MedGen C1836860, MONDO:0012187, OMIM 609054.

Submissions (5):

Labcorp Genetics (formerly Invitae), Labcorp
Classification: Uncertain significance for Familial cancer of breast; Fanconi anemia complementation group J. Last evaluated: 2025-11-09. Review status: criteria provided, single submitter. Criteria: Invitae Variant Classification Sherloc (09022015). Collection method: clinical testing. Allele origin: germline.
Comment: This sequence change replaces arginine, which is basic and polar, with glycine, which is neutral and non-polar, at codon 419 of the BRIP1 protein (p.Arg419Gly). This variant is not present in population databases (gnomAD no frequency). This variant has not been reported in the literature in individuals affected with BRIP1-related conditions. ClinVar contains an entry for this variant (Variation ID: 628244). Invitae Evidence Modeling of protein sequence and biophysical properties (such as structural, functional, and spatial information, amino acid conservation, physicochemical variation, residue mobility, and thermodynamic stability) has been performed for this missense variant. However, the output from this modeling did not meet the statistical confidence thresholds required to predict the impact of this variant on BRIP1 protein function. In summary, the available evidence is currently insufficient to determine the role of this variant in disease. Therefore, it has been classified as a Variant of Uncertain Significance.

Baylor Genetics
Classification: Uncertain significance for Familial cancer of breast. Last evaluated: 2023-10-26. Review status: criteria provided, single submitter. Criteria: ACMG Guidelines, 2015. Collection method: clinical testing. Allele origin: unknown.

Department of Pathology and Laboratory Medicine, Sinai Health System
Classification: Uncertain significance for Familial cancer of breast. Last evaluated: 2022-10-11. Review status: criteria provided, single submitter. Criteria: ACMG Guidelines, 2015. Collection method: clinical testing. Allele origin: germline. Affected: yes.

Ambry Genetics
Classification: Uncertain significance for Hereditary cancer-predisposing syndrome. Last evaluated: 2022-08-02. Review status: criteria provided, single submitter. Criteria: Ambry Variant Classification Scheme 2023. Collection method: clinical testing. Allele origin: germline.
Comment: The p.R419G variant (also known as c.1255C>G), located in coding exon 8 of the BRIP1 gene, results from a C to G substitution at nucleotide position 1255. The arginine at codon 419 is replaced by glycine, an amino acid with dissimilar properties. This amino acid position is highly conserved in available vertebrate species. In addition, this alteration is predicted to be deleterious by in silico analysis. Since supporting evidence is limited at this time, the clinical significance of this alteration remains unclear.

Color Diagnostics, LLC DBA Color Health
Classification: Uncertain significance for Hereditary cancer-predisposing syndrome. Last evaluated: 2019-05-08. Review status: criteria provided, single submitter. Criteria: ACMG Guidelines, 2015. Collection method: clinical testing. Allele origin: germline.

NM_032043.3(BRIP1):c.1255C>G (p.Arg419Gly)

Gene: BRIP1 (BRCA1 interacting DNA helicase 1; minus strand). Cytogenetic location: 17q23.2.
Variant type: single nucleotide variant.
Coding change: c.1255C>G on transcript NM_032043.3 (MANE Select); coding-DNA position 1255, C replaced by G.
Protein change: p.Arg419Gly; replaces arginine 419 with glycine.
Molecular consequence: missense variant.
Genome position (GRCh38, 1-based): chr17:61,799,185, G>C on the plus strand (C>G on the coding strand, the complement: BRIP1 is on the minus strand). VCF-style: chr17-61799185-G-C. GRCh37 (hg19) VCF-style: chr17-59876546-G-C.
Other names: short protein forms R419G.
Identifiers: ClinVar variation 628244 (VCV000628244.18), dbSNP rs150624408, ClinGen allele CA400483593.
Genomic context (GRCh38, chr17:61,799,185, plus strand): 5'-GTAGGGGTTCATGATCTTTCTTCCTTATATTATTGTTGACCATACTATCTAGTTCATCCC[G>C]AGCAAACCGAAGCTGAACTTCTGTTACACTGTAACTTGCTGATTCCCGAGCACAGTCCTC-3'
Protein context (NP_114432.2, residues 409-429): SVTEVQLRFA[Arg419Gly]DELDSMVNNN